The following is an entry in ClinVar:

NM_005612.5(REST):c.527A>G (p.His176Arg)

Gene: REST (RE1 silencing transcription factor; plus strand). Cytogenetic location: 4q12.
Variant type: single nucleotide variant.
Coding change: c.527A>G on transcript NM_005612.5 (MANE Select); coding-DNA position 527, A replaced by G.
Protein change: p.His176Arg; replaces histidine 176 with arginine.
Molecular consequence: missense variant.
Genome position (GRCh38, 1-based): chr4:56,911,165, A>G. VCF-style: chr4-56911165-A-G. GRCh37 (hg19) VCF-style: chr4-57777331-A-G.
Other names: c.527A>G, p.His176Arg (NM_001193508.2, NM_001363453.3); short protein forms H176R.
Identifiers: ClinVar variation 943728 (VCV000943728.12), dbSNP rs375735172, ClinGen allele CA2932115.

ClinVar aggregate classification (germline): Uncertain significance. Review status: criteria provided, multiple submitters, no conflicts (2 of 4 stars). 5 submissions from 5 submitters: Uncertain significance (5). Last evaluated 2025-12-10.

Conditions:
REST-related disorder. Also called: REST-related condition.
Fibromatosis, gingival, 5. Also called: FIBROMATOSIS, GINGIVAL, HEREDITARY, 5. Identifiers: MedGen C4539942, MONDO:0033493, OMIM 617626.
Wilms tumor 6 (WT6). Also called: WILMS TUMOR 6, SUSCEPTIBILITY TO. Identifiers: Orphanet 654, MedGen C3891301, MONDO:0014779, OMIM 616806.
Autosomal dominant nonsyndromic hearing loss 27. Also called: Deafness, autosomal dominant 27. Identifiers: Orphanet 90635, MedGen C3887929, MONDO:0012902, OMIM 612431.
Inborn genetic diseases. Identifiers: MedGen C0950123, MeSH D030342.

Allele frequency attached by ClinVar (database versions not stated): gnomAD exomes 0.00001 and 0.00004; ExAC 0.00002; gnomAD 0.00005 and 0.00006; TOPMed 0.00005; 1000 Genomes Project 30x 0.00016; 1000 Genomes Project 0.00020.
gnomAD v4.1: 59 of 1,614,234 alleles (0.0037%); highest among the groups gnomAD compares: East Asian, 0.018%; 1 homozygote.

Submissions (5):

Labcorp Genetics (formerly Invitae), Labcorp
Classification: Uncertain significance. Last evaluated: 2025-12-10. Review status: criteria provided, single submitter. Criteria: Invitae Variant Classification Sherloc (09022015). Collection method: clinical testing. Allele origin: germline.
Comment: This sequence change replaces histidine, which is basic and polar, with arginine, which is basic and polar, at codon 176 of the REST protein (p.His176Arg). This variant is present in population databases (rs375735172, gnomAD 0.02%). This variant has not been reported in the literature in individuals affected with REST-related conditions. ClinVar contains an entry for this variant (Variation ID: 943728). An algorithm developed to predict the effect of missense changes on protein structure and function (PolyPhen-2) suggests that this variant is likely to be disruptive. In summary, the available evidence is currently insufficient to determine the role of this variant in disease. Therefore, it has been classified as a Variant of Uncertain Significance.

PreventionGenetics, part of Exact Sciences
Classification: Uncertain significance for REST-related condition. Last evaluated: 2025-09-17. Review status: criteria provided, single submitter. Criteria: ACMG Guidelines, 2015. Collection method: clinical testing. Allele origin: germline.
Comment: The REST c.527A>G variant is predicted to result in the amino acid substitution p.His176Arg. To our knowledge, this variant has not been reported in the literature. This variant is reported in 0.020% of alleles in individuals of East Asian descent in gnomAD. Although we suspect that this variant may be benign, at this time, the clinical significance of this variant is uncertain due to the absence of conclusive functional and genetic evidence.

Fulgent Genetics
Classification: Uncertain significance for Autosomal dominant nonsyndromic hearing loss 27; Wilms tumor 6; Fibromatosis, gingival, 5. Last evaluated: 2024-06-04. Review status: criteria provided, single submitter. Criteria: ACMG Guidelines, 2015. Collection method: clinical testing. Allele origin: germline.

Ambry Genetics
Classification: Uncertain significance for Inborn genetic diseases. Last evaluated: 2023-02-28. Review status: criteria provided, single submitter. Criteria: Ambry Variant Classification Scheme 2023. Collection method: clinical testing. Allele origin: germline.

GeneDx
Classification: Uncertain significance. Last evaluated: 2022-07-11. Review status: criteria provided, single submitter. Criteria: GeneDx Variant Classification Process June 2021. Collection method: clinical testing. Allele origin: germline. Affected: yes.
Comment: In silico analysis supports that this missense variant has a deleterious effect on protein structure/function; Has not been previously published as pathogenic or benign to our knowledge